The following is an entry in ClinVar:

NM_001142800.2(EYS):c.7326del (p.His2441_Tyr2442insTer)

Gene: EYS (EGF-like photoreceptor maintenance factor; minus strand). Cytogenetic location: 6q12.
Variant type: Deletion.
Coding change: c.7326del on transcript NM_001142800.2 (MANE Select); coding-DNA position 7326, one base deleted (T; older notation c.7326delT).
Protein change: p.His2441_Tyr2442insTer.
Molecular consequence: nonsense.
Genome position (GRCh38, 1-based): chr6:63,806,275, A deleted on the plus strand (T on the coding strand, the reverse complement: EYS is on the minus strand). VCF-style (leftmost placement, unchanged base first): chr6-63806274-CA-C. GRCh37 (hg19) VCF-style: chr6-64516167-CA-C.
Other names: c.7326del, p.His2441_Tyr2442insTer (NM_001292009.2).
Identifiers: ClinVar variation 4730729 (VCV004730729.1).

ClinVar aggregate classification (germline): Pathogenic (1 of 4 stars; one submission).

Submission:

Labcorp Genetics (formerly Invitae), Labcorp
Classification: Pathogenic. Last evaluated: 2025-11-08. Review status: criteria provided, single submitter. Criteria: Invitae Variant Classification Sherloc (09022015). Collection method: clinical testing. Allele origin: germline.
Comment: This sequence change creates a premature translational stop signal (p.Tyr2442*) in the EYS gene. It is expected to result in an absent or disrupted protein product. Loss-of-function variants in EYS are known to be pathogenic (PMID: 18836446, 20333770). This variant is not present in population databases (gnomAD no frequency). This variant has not been reported in the literature in individuals affected with EYS-related conditions. Algorithms developed to predict the effect of sequence changes on RNA splicing suggest that this variant may disrupt the consensus splice site. For these reasons, this variant has been classified as Pathogenic.

Literature cited by the submitters: PubMed 18836446; PubMed 20333770.